The following is an entry in ClinVar:

NM_020921.4(NIN):c.6061G>A (p.Glu2021Lys)

Gene: NIN (ninein; minus strand). Cytogenetic location: 14q22.1.
Variant type: single nucleotide variant.
Coding change: c.6061G>A on transcript NM_020921.4 (MANE Select); coding-DNA position 6061, G replaced by A.
Protein change: p.Glu2021Lys; replaces glutamic acid 2021 with lysine.
Molecular consequence: missense variant.
Genome position (GRCh38, 1-based): chr14:50,729,540, C>T on the plus strand (G>A on the coding strand, the complement: NIN is on the minus strand). VCF-style: chr14-50729540-C-T. GRCh37 (hg19) VCF-style: chr14-51196258-C-T.
Other names: c.6061G>A (NM_020921.3); c.3922G>A, p.Glu1308Lys (NM_016350.5); c.6061G>A, p.Glu2021Lys (NM_182944.3, NM_182946.2); short protein forms E1308K, E2021K.
Identifiers: ClinVar variation 3018544 (VCV003018544.4), dbSNP rs147387454, ClinGen allele CA7181051.

ClinVar aggregate classification (germline): Uncertain significance. Review status: criteria provided, multiple submitters, no conflicts (2 of 4 stars). 2 submissions from 2 submitters: Uncertain significance (2). Last evaluated 2024-09-24.

Allele frequency attached by ClinVar (database versions not stated): ExAC 0.00002; gnomAD exomes 0.00002; gnomAD 0.00004; TOPMed 0.00007; ESP Exome Variant Server 0.00015.
gnomAD v4.1: 31 of 1,613,712 alleles (0.0019%); highest among the groups gnomAD compares: African/African-American, 0.0093%; no homozygotes.

Submissions (2):

Ambry Genetics
Classification: Uncertain significance. Last evaluated: 2024-09-24. Review status: criteria provided, single submitter. Criteria: Ambry Variant Classification Scheme 2023. Collection method: clinical testing. Allele origin: germline.

Labcorp Genetics (formerly Invitae), Labcorp
Classification: Uncertain significance. Last evaluated: 2023-08-01. Review status: criteria provided, single submitter. Criteria: Invitae Variant Classification Sherloc (09022015). Collection method: clinical testing. Allele origin: germline.
Comment: This variant has not been reported in the literature in individuals affected with NIN-related conditions. An algorithm developed to predict the effect of missense changes on protein structure and function (PolyPhen-2) suggests that this variant is likely to be disruptive. In summary, the available evidence is currently insufficient to determine the role of this variant in disease. Therefore, it has been classified as a Variant of Uncertain Significance. This variant is present in population databases (rs147387454, gnomAD 0.008%). This sequence change replaces glutamic acid, which is acidic and polar, with lysine, which is basic and polar, at codon 2021 of the NIN protein (p.Glu2021Lys).